The following is an entry in ClinVar:

ClinVar aggregate classification (germline): Likely pathogenic (1 of 4 stars; one submission).

Conditions:
Zimmermann-Laband syndrome 2 (ZLS2). Identifiers: Orphanet 3473, MedGen C4225321, MONDO:0014646, OMIM 616455.

Submission:

Victorian Clinical Genetics Services, Murdoch Childrens Research Institute
Classification: Likely pathogenic for Zimmermann-Laband syndrome 2. Last evaluated: 2023-12-21. Review status: criteria provided, single submitter. Criteria: ACMG Guidelines, 2015. Collection method: clinical testing. Allele origin: germline. Inheritance: Autosomal dominant inheritance. Affected: yes.
Comment: Based on the classification scheme VCGS_Germline_v1.3.4, this variant is classified as Likely pathogenic. Following criteria are met: 0105 - The mechanism of disease for this gene is not clearly established. (I) 0107 - This gene is associated with autosomal dominant disease. (I) 0200 - Variant is predicted to result in a missense amino acid change from arginine to glycine. (I) 0251 - This variant is heterozygous. (I) 0301 - Variant is absent from gnomAD (both v2 and v3). (SP) 0501 - Missense variant consistently predicted to be damaging by multiple in silico tools or highly conserved with a major amino acid change. (SP) 0604 - Variant is not located in an established domain, motif, hotspot or informative constraint region. (I) 0705 - No comparable missense variants have previous evidence for pathogenicity. (I) 0807 - This variant has no previous evidence of pathogenicity. (I) 0905 - No published segregation evidence has been identified for this variant. (I) 1007 - No published functional evidence has been identified for this variant. (SP) Legend: (SP) - Supporting pathogenic, (I) - Information, (SB) - Supporting benign

NM_001693.4(ATP6V1B2):c.487C>G (p.Arg163Gly)

Gene: ATP6V1B2 (ATPase H+ transporting V1 subunit B2; plus strand). Cytogenetic location: 8p21.3.
Variant type: single nucleotide variant.
Coding change: c.487C>G on transcript NM_001693.4 (MANE Select); coding-DNA position 487, C replaced by G.
Protein change: p.Arg163Gly; replaces arginine 163 with glycine.
Molecular consequence: missense variant.
Genome position (GRCh38, 1-based): chr8:20,211,200, C>G. VCF-style: chr8-20211200-C-G. GRCh37 (hg19) VCF-style: chr8-20068711-C-G.
Other names: short protein forms R163G.
Identifiers: ClinVar variation 3254713 (VCV003254713.1), dbSNP rs2486461841.